The following is an entry in ClinVar:

NM_001080493.4(ZNF823):c.321C>T (p.Val107=)

Gene: ZNF823 (zinc finger protein 823; minus strand). Cytogenetic location: 19p13.2.
Variant type: single nucleotide variant.
Coding change: c.321C>T on transcript NM_001080493.4 (MANE Select); coding-DNA position 321, C replaced by T.
Protein change: p.Val107=; no amino-acid change (valine 107 retained).
Molecular consequence: synonymous variant. On other transcripts: 5 prime UTR variant (1).
Genome position (GRCh38, 1-based): chr19:11,723,213, G>A on the plus strand (C>T on the coding strand, the complement: ZNF823 is on the minus strand). VCF-style: chr19-11723213-G-A. GRCh37 (hg19) VCF-style: chr19-11834028-G-A.
Other names: c.-226C>T (NM_001297610.2); c.189C>T, p.Val63= (NM_017507.2).
Identifiers: ClinVar variation 3389823 (VCV003389823.14).
Genomic context (GRCh38, chr19:11,723,213, plus strand): 5'-CTCACATGATTTGTGTCCAGTGTCAACTCTGATGTTGCAATTAAGAGACGAATGACCCAA[G>A]ACGACTTCTCCACACTCACCACTGTCACATGGATTTACTCGAGGAGTGTTCTTGTTCACA-3'
Protein context (NP_001073962.1, residues 97-117): PCDSGECGEV[Val107=]LGHSSLNCNI

ClinVar aggregate classification (germline): Likely benign (1 of 4 stars; one submission).

Submission:

CeGaT Center for Human Genetics Tuebingen
Classification: Likely benign. Last evaluated: 2024-10-01. Review status: criteria provided, single submitter. Criteria: CeGaT Center For Human Genetics Tuebingen Variant Classification Criteria Version 2. Collection method: clinical testing. Allele origin: germline. Affected: yes. Observed: 1 variant allele.
Comment: ZNF823: BP4, BP7